The following is an entry in ClinVar:

NM_007294.4(BRCA1):c.4097-7A>G

Gene: BRCA1 (BRCA1 DNA repair associated; minus strand). Cytogenetic location: 17q21.31.
Variant type: single nucleotide variant.
Coding change: c.4097-7A>G on transcript NM_007294.4 (MANE Select); 7 bases into the intron before coding-DNA position 4097, A replaced by G.
Molecular consequence: intron variant.
Genome position (GRCh38, 1-based): chr17:43,091,039, T>C on the plus strand (A>G on the coding strand, the complement: BRCA1 is on the minus strand). VCF-style: chr17-43091039-T-C. GRCh37 (hg19) VCF-style: chr17-41243056-T-C.
Other names: IVS11-7A>G; c.647-7A>G (NM_001408458.1, NM_001408469.1, NM_001408453.1 and 11 more transcripts); c.3209-7A>G (NM_001407967.1, NM_001407966.1); c.3716-7A>G (NM_001407959.1, NM_001407963.1, NM_001407960.1); c.3830-7A>G (NM_001407931.1, NM_001407932.1, NM_001407934.1 and 2 more transcripts); c.3953-7A>G (NM_001407747.1, NM_001407848.1, NM_001407839.1 and 20 more transcripts); c.3713-7A>G (NM_001407962.1); c.284-7A>G (NM_001408512.1); and 42 more.
Identifiers: ClinVar variation 125677 (VCV000125677.19), dbSNP rs80358007, ClinGen allele CA002629.

ClinVar aggregate classification (germline): Conflicting classifications of pathogenicity. Review status: criteria provided, conflicting classifications (1 of 4 stars). 5 submissions from 5 submitters: Uncertain significance (1); Likely benign (3). 1 of the submissions does not count toward it. Last evaluated 2025-07-18.

Conditions:
Hereditary cancer-predisposing syndrome. Also called: Tumor predisposition; Hereditary neoplastic syndrome; Hereditary Cancer Syndrome; Neoplastic Syndromes, Hereditary. Identifiers: Orphanet 140162, MedGen C0027672, MeSH D009386, MONDO:0015356.
Hereditary breast ovarian cancer syndrome. Also called: Hereditary breast and/or ovarian cancer syndrome; Breast and ovarian cancer; Hereditary breast and ovarian cancer syndrome; Hereditary breast and ovarian cancer; Hereditary breast and ovarian cancer syndrome (HBOC); BRCA1- and BRCA2-Associated Hereditary Breast and Ovarian Cancer. Identifiers: Orphanet 145, MedGen C0677776, MeSH D061325, MONDO:0003582. Disease mechanism: loss of function.
Breast-ovarian cancer, familial, susceptibility to, 1 (BROVCA1). Also called: BRCA1 Hereditary Breast and Ovarian Cancer; OVARIAN CANCER, SUSCEPTIBILITY TO. Identifiers: Orphanet 145, MedGen C2676676, MONDO:0011450, OMIM 604370. Disease mechanism: loss of function.

gnomAD v4.1: 2 of 1,610,082 alleles (0.00012%); highest among the groups gnomAD compares: Non-Finnish European, 0.00017%; no homozygotes.

Submissions (5):

Labcorp Genetics (formerly Invitae), Labcorp
Classification: Likely benign for Hereditary breast ovarian cancer syndrome. Last evaluated: 2025-07-18. Review status: criteria provided, single submitter. Criteria: Invitae Variant Classification Sherloc (09022015). Collection method: clinical testing. Allele origin: germline.

Color Diagnostics, LLC DBA Color Health
Classification: Likely benign for Hereditary cancer-predisposing syndrome. Last evaluated: 2022-01-20. Review status: criteria provided, single submitter. Criteria: ACMG Guidelines, 2015. Collection method: clinical testing. Allele origin: germline.

Quest Diagnostics Nichols Institute San Juan Capistrano
Classification: Uncertain significance. Last evaluated: 2016-11-22. Review status: criteria provided, single submitter. Criteria: Quest Diagnostics criteria. Collection method: clinical testing. Allele origin: germline.

GeneDx
Classification: Likely benign. Last evaluated: 2016-07-18. Review status: criteria provided, single submitter. Criteria: GeneDx Variant Classification (06012015). Collection method: clinical testing. Allele origin: germline. Affected: yes.
Comment: This variant is considered likely benign or benign based on one or more of the following criteria: it is a conservative change, it occurs at a poorly conserved position in the protein, it is predicted to be benign by multiple in silico algorithms, and/or has population frequency not consistent with disease.

Breast Cancer Information Core (BIC) (BRCA1)
Classification: Uncertain significance for Breast-ovarian cancer, familial 1. Last evaluated: 2004-02-20. Review status: no assertion criteria provided. Collection method: clinical testing. Allele origin: germline. Affected: yes. Observed: 1 variant allele. Not counted in ClinVar's aggregate classification.